The following is an entry in ClinVar:

NM_001165963.4(SCN1A):c.3801G>C (p.Met1267Ile)

Genes: SCN1A (sodium voltage-gated channel alpha subunit 1; minus strand), LOC102724058 (uncharacterized LOC102724058; plus strand). Cytogenetic location: 2q24.3.
Variant type: single nucleotide variant.
Coding change: c.3801G>C on transcript NM_001165963.4 (MANE Select); coding-DNA position 3801, G replaced by C.
Protein change: p.Met1267Ile; replaces methionine 1267 with isoleucine.
Molecular consequence: missense variant. On other transcripts: non-coding transcript variant (1).
Genome position (GRCh38, 1-based): chr2:166,012,187, C>G on the plus strand (G>C on the coding strand, the complement: SCN1A is on the minus strand). VCF-style: chr2-166012187-C-G. GRCh37 (hg19) VCF-style: chr2-166868697-C-G.
Other names: c.3717G>C, p.Met1239Ile (NM_001165964.3, NM_001353957.2, NM_001353958.2); c.3801G>C, p.Met1267Ile (NM_001202435.3, NM_001353948.2); c.3768G>C, p.Met1256Ile (NM_001353949.2, NM_001353950.2, NM_001353951.2 and 2 more transcripts); c.3765G>C, p.Met1255Ile (NM_001353954.2, NM_001353955.2); c.3714G>C, p.Met1238Ile (NM_001353960.2); c.1359G>C, p.Met453Ile (NM_001353961.2); short protein forms M1238I, M1239I, M1255I, M1256I, M1267I, M453I.
Identifiers: ClinVar variation 3067157 (VCV003067157.3), dbSNP rs2468513783, ClinGen allele CA349054291.

ClinVar aggregate classification (germline): Pathogenic (1 of 4 stars; one submission).

Conditions:
SCN1A-related disorder. Also called: SCN1A-related disorders; SCN1A-related conditions; SCN1A-related condition.

Submissions (2):

Blueprint Genetics
Classification: Pathogenic for SCN1A-related disorders. Last evaluated: 2020-01-02. Review status: criteria provided, single submitter. Criteria: ACMG Guidelines, 2015. Collection method: clinical testing. Allele origin: germline. Affected: yes. Observed: 5 variant alleles.

Channelopathy-Associated Epilepsy Research Center
No classification provided (evidence only). Condition: Severe myoclonic epilepsy in infancy. Review status: no classification provided. Collection method: literature only. Allele origin: not applicable. Functional consequence: Moderate decrease in peak current, Normal persistent current, Overall loss-of-function effect with respect to biophysical channel activity, Moderate hyperpolarizing shift of voltage dependence of activation, Normal voltage dependence of fast inactivation, Slowing of recovery from fast inactivation. Not counted in ClinVar's aggregate classification.
ClinVar note: "not provided" was previously submitted as the classification for the variant. However, the classification appeared to be based only on an observation of functional data so it was converted to no classification on 2025-07-30.

Literature cited by the submitters: PubMed 30735520 (cited by Channelopathy-Associated Epilepsy Research Center).